The following is an entry in ClinVar:

ClinVar aggregate classification (germline): Uncertain significance (1 of 4 stars; one submission).

Submission:

Women's Health and Genetics/Laboratory Corporation of America, LabCorp
Classification: Uncertain significance. Last evaluated: 2024-02-12. Review status: criteria provided, single submitter. Criteria: LabCorp Variant Classification Summary - May 2015. Collection method: clinical testing. Allele origin: germline.
Comment: Variant summary: The variant involves the duplication of exon 20 in the SASH1 gene. A presumed nomenclature of c.(3480+1_3481-1)_(*3487_?)dup has been designated for the purposes of this classification. The exact breakpoint at the 3' end of this variant is unknown, therefore this duplication may extend downstream of the annotated region of the gene. As it duplicates the termination codon, its effect on the encoded protein is unknown. A duplication (size: ~33,6 kbp) encompassing exon 20 of the SASH1 gene together with a large DNA segment extending downstream of the gene, was found at a frequency of 1.7e-05 (i.e. 2 heterozygotes) in 120780 control chromosomes in the gnomAD database (Structural Variants v4.0 dataset). The available data on variant occurrences in the general population are insufficient to allow any conclusion about variant significance. To our knowledge, no occurrence of c.(3480+1_3481-1)_(*3487_?)dup in individuals affected with SASH1-Related Disorders and no experimental evidence demonstrating its impact on protein function have been reported. No submitters have cited clinical-significance assessments for this variant to ClinVar. Based on the evidence outlined above, the variant was classified as uncertain significance.

NC_000006.11:g.(148867283_148869430)_(148873181_?)dup

Gene: SASH1 (SAM and SH3 domain containing 1; plus strand). Cytogenetic location: 6q24.3.
Variant type: Duplication.
Identifiers: ClinVar variation 3069097 (VCV003069097.1).